The following is an entry in ClinVar:

NM_000540.3(RYR1):c.7584C>T (p.Pro2528=)

Gene: RYR1 (ryanodine receptor 1; plus strand). Cytogenetic location: 19q13.2.
Variant type: single nucleotide variant.
Coding change: c.7584C>T on transcript NM_000540.3 (MANE Select); coding-DNA position 7584, C replaced by T.
Protein change: p.Pro2528=; no amino-acid change (proline 2528 retained).
Molecular consequence: synonymous variant.
Genome position (GRCh38, 1-based): chr19:38,500,960, C>T. VCF-style: chr19-38500960-C-T. GRCh37 (hg19) VCF-style: chr19-38991600-C-T.
Other names: p.Pro2528=; c.7584C>T, p.Pro2528= (NM_001042723.2).
Identifiers: ClinVar variation 133209 (VCV000133209.29), dbSNP rs1465698, ClinGen allele CA024830.

ClinVar aggregate classification (germline): Benign/Likely benign. Review status: criteria provided, multiple submitters, no conflicts (2 of 4 stars). 15 submissions from 13 submitters: Benign (11); Likely benign (1). 3 of the submissions do not count toward it. Last evaluated 2026-02-04.

Conditions:
RYR1-related disorder. Also called: RYR1-related disorders; RYR1-related condition. Identifiers: MedGen CN239331.
Congenital multicore myopathy with external ophthalmoplegia (CMYO1B). Also called: MULTICORE MYOPATHY; Minicore myopathy with external ophthalmoplegia; Congenital myopathy 1B, autosomal recessive; Minicore myopathy; MULTIMINICORE DISEASE WITH EXTERNAL OPHTHALMOPLEGIA. Identifiers: Orphanet 598, Orphanet 98905, MedGen C1850674, MONDO:0009712, OMIM 255320, HP:0003789.
Central core myopathy (CMYO1A). Also called: Central core disease; Myopathy, central fibrillar; CONGENITAL MYOPATHY 1A, AUTOSOMAL DOMINANT, WITH SUSCEPTIBILITY TO MALIGNANT HYPERTHERMIA. Identifiers: Orphanet 597, MedGen C5830701, MONDO:0007294, OMIM 117000.
Malignant hyperthermia, susceptibility to, 1 (MHS1). Also called: RYR1-Related Malignant Hyperthermia Susceptibility; Malignant hyperthermia suceptibility 1; Anesthesia related hyperthermia; Malignant hyperpyrexia; Fulminating hyperpyrexia; Pharmacogenic myopathy. Identifiers: Orphanet 423, MedGen C2930980, MONDO:0007783, OMIM 145600.

Allele frequency attached by ClinVar (database versions not stated): ESP Exome Variant Server 0.00715; TOPMed 0.01320; 1000 Genomes Project 0.02576; 1000 Genomes Project 30x 0.02670.
gnomAD v4.1: 10,208 of 1,613,114 alleles (0.63%); highest among the groups gnomAD compares: East Asian, 7.3%; 248 homozygotes.

Submissions (15):

Labcorp Genetics (formerly Invitae), Labcorp
Classification: Benign for RYR1-related disorder. Last evaluated: 2026-02-04. Review status: criteria provided, single submitter. Criteria: Invitae Variant Classification Sherloc (09022015). Collection method: clinical testing. Allele origin: germline.

Athena Diagnostics
Classification: Benign. Last evaluated: 2024-01-11. Review status: criteria provided, single submitter. Criteria: Athena Diagnostics Criteria. Collection method: clinical testing. Allele origin: unknown.

Color Diagnostics, LLC DBA Color Health
Classification: Benign for Malignant hyperthermia, susceptibility to, 1. Last evaluated: 2022-09-16. Review status: criteria provided, single submitter. Criteria: ACMG Guidelines, 2015. Collection method: clinical testing. Allele origin: germline.

Mayo Clinic Laboratories, Mayo Clinic
Classification: Benign. Last evaluated: 2018-10-04. Review status: criteria provided, single submitter. Criteria: ACMG Guidelines, 2015. Collection method: clinical testing. Allele origin: germline. Observed: 17 variant alleles.

Illumina Laboratory Services, Illumina
Classification: Benign for Malignant hyperthermia, susceptibility to, 1. Last evaluated: 2018-01-13. Review status: criteria provided, single submitter. Criteria: ICSL Variant Classification Criteria 13 December 2019. Collection method: clinical testing. Allele origin: germline.
Comment: This variant was observed in the ICSL laboratory as part of a predisposition screen in an ostensibly healthy population. It had not been previously curated by ICSL or reported in the Human Gene Mutation Database (HGMD: prior to June 1st, 2018), and was therefore a candidate for classification through an automated scoring system. Utilizing variant allele frequency, disease prevalence and penetrance estimates, and inheritance mode, an automated score was calculated to assess if this variant is too frequent to cause the disease. Based on the score and internal cut-off values, a variant classified as benign is not then subjected to further curation. The score for this variant resulted in a classification of benign for this disease.

Illumina Laboratory Services, Illumina
Classification: Benign for Congenital multicore myopathy with external ophthalmoplegia. Last evaluated: 2018-01-13. Review status: criteria provided, single submitter. Criteria: ICSL Variant Classification Criteria 13 December 2019. Collection method: clinical testing. Allele origin: germline.
Comment: the same text as in the submission from Illumina Laboratory Services, Illumina above.

Illumina Laboratory Services, Illumina
Classification: Benign for Central core myopathy. Last evaluated: 2018-01-13. Review status: criteria provided, single submitter. Criteria: ICSL Variant Classification Criteria 13 December 2019. Collection method: clinical testing. Allele origin: germline.
Comment: the same text as in the submission from Illumina Laboratory Services, Illumina above.

PreventionGenetics, part of Exact Sciences
Classification: Benign. Last evaluated: 2016-06-30. Review status: criteria provided, single submitter. Criteria: ACMG Guidelines, 2015. Collection method: clinical testing. Allele origin: germline.

GeneDx
Classification: Benign. Last evaluated: 2016-05-31. Review status: criteria provided, single submitter. Criteria: GeneDx Variant Classification (06012015). Collection method: clinical testing. Allele origin: germline. Affected: yes.
Comment: This variant is considered likely benign or benign based on one or more of the following criteria: it is a conservative change, it occurs at a poorly conserved position in the protein, it is predicted to be benign by multiple in silico algorithms, and/or has population frequency not consistent with disease.

Eurofins Ntd Llc (ga)
Classification: Benign. Last evaluated: 2014-04-22. Review status: criteria provided, single submitter. Criteria: EGL Classification Definitions 2015. Collection method: clinical testing. Allele origin: germline. Observed: 3 variant alleles, 3 heterozygotes.

Genetic Services Laboratory, University of Chicago
Classification: Benign. Last evaluated: 2013-02-08. Review status: criteria provided, single submitter. Criteria: ACMG Guidelines, 2007. Collection method: clinical testing. Allele origin: germline. Inheritance: Autosomal unknown.

Breakthrough Genomics
Classification: Likely benign. Review status: criteria provided, single submitter. Criteria: ACMG Guidelines, 2015. Collection method: not provided. Allele origin: germline. Inheritance: Autosomal recessive inheritance. Affected: yes.

Joint Genome Diagnostic Labs from Nijmegen and Maastricht, Radboudumc and MUMC+
Classification: Benign. Review status: no assertion criteria provided. Collection method: clinical testing. Allele origin: germline. Affected: yes. Study: VKGL Data-share Consensus. Not counted in ClinVar's aggregate classification.

Laboratory of Diagnostic Genome Analysis, Leiden University Medical Center (LUMC)
Classification: Likely benign. Review status: no assertion criteria provided. Collection method: clinical testing. Allele origin: germline. Affected: yes. Study: VKGL Data-share Consensus. Not counted in ClinVar's aggregate classification.

RYR1 database
No classification provided. Review status: no classification provided. Collection method: not provided. Allele origin: unknown. Not counted in ClinVar's aggregate classification.